The following is an entry in ClinVar:

ClinVar aggregate classification (germline): Benign/Likely benign. Review status: criteria provided, multiple submitters, no conflicts (2 of 4 stars). 3 submissions from 3 submitters: Benign (1); Likely benign (2). Last evaluated 2025-03-19.

Conditions:
Hereditary cancer-predisposing syndrome. Also called: Hereditary Cancer Syndrome; Tumor predisposition; Hereditary neoplastic syndrome; Neoplastic Syndromes, Hereditary. Identifiers: Orphanet 140162, MedGen C0027672, MeSH D009386, MONDO:0015356.
Fanconi anemia complementation group J. Also called: BRIP1-Related Fanconi Anemia. Identifiers: Orphanet 84, MedGen C1836860, MONDO:0012187, OMIM 609054.
Familial cancer of breast. Also called: hereditary breast carcinoma; BREAST CANCER, FAMILIAL; Hereditary breast cancer. Identifiers: Orphanet 227535, MedGen C0346153, MONDO:0016419, OMIM 114480. Disease mechanism: loss of function.

Submissions (3):

Labcorp Genetics (formerly Invitae), Labcorp
Classification: Likely benign for Familial cancer of breast; Fanconi anemia complementation group J. Last evaluated: 2025-03-19. Review status: criteria provided, single submitter. Criteria: Invitae Variant Classification Sherloc (09022015). Collection method: clinical testing. Allele origin: germline.

Myriad Genetics, Inc.
Classification: Benign for Familial cancer of breast. Last evaluated: 2024-08-27. Review status: criteria provided, single submitter. Criteria: Myriad Autosomal Dominant, Autosomal Recessive and X-Linked Classification Criteria (2023). Collection method: clinical testing. Allele origin: unknown.
Comment: This variant is considered benign. This variant is a silent/synonymous amino acid change and it is not expected to impact splicing.

Ambry Genetics
Classification: Likely benign for Hereditary cancer-predisposing syndrome. Last evaluated: 2024-07-18. Review status: criteria provided, single submitter. Criteria: Ambry Variant Classification Scheme 2023. Collection method: clinical testing. Allele origin: germline.

NM_032043.3(BRIP1):c.1353A>C (p.Ala451=)

Gene: BRIP1 (BRCA1 interacting DNA helicase 1; minus strand). Cytogenetic location: 17q23.2.
Variant type: single nucleotide variant.
Coding change: c.1353A>C on transcript NM_032043.3 (MANE Select); coding-DNA position 1353, A replaced by C.
Protein change: p.Ala451=; no amino-acid change (alanine 451 retained).
Molecular consequence: synonymous variant.
Genome position (GRCh38, 1-based): chr17:61,793,717, T>G on the plus strand (A>C on the coding strand, the complement: BRIP1 is on the minus strand). VCF-style: chr17-61793717-T-G. GRCh37 (hg19) VCF-style: chr17-59871078-T-G.
Identifiers: ClinVar variation 3378694 (VCV003378694.4).